The following is an entry in ClinVar:

NM_000240.4(MAOA):c.45C>A (p.Asp15Glu)

Gene: MAOA (monoamine oxidase A; plus strand). Cytogenetic location: Xp11.3.
Variant type: single nucleotide variant.
Coding change: c.45C>A on transcript NM_000240.4 (MANE Select); coding-DNA position 45, C replaced by A.
Protein change: p.Asp15Glu; replaces aspartic acid 15 with glutamic acid.
Molecular consequence: missense variant. On other transcripts: 5 prime UTR variant (1).
Genome position (GRCh38, 1-based): chrX:43,656,386, C>A. VCF-style: chrX-43656386-C-A. GRCh37 (hg19) VCF-style: chrX-43515634-C-A.
Other names: c.-463C>A (NM_001270458.2); short protein forms D15E.
Identifiers: ClinVar variation 4995934 (VCV004995934.1).
Genomic context (GRCh38, chrX:43,656,386, plus strand): 5'-GCGTGTCAGCCAAAGCATGGAGAATCAAGAGAAGGCGAGTATCGCGGGCCACATGTTCGA[C>A]GTAGTCGTGATCGGAGGTGGCATTTCAGGTCAGTGTGGACCGTAGCGGTGGCCTGGGGGA-3'
Protein context (NP_000231.1, residues 5-25): EKASIAGHMF[Asp15Glu]VVVIGGGISG

ClinVar aggregate classification (germline): Uncertain significance (1 of 4 stars; one submission).

Conditions:
MAOA-related disorder. Also called: MAOA-related condition.

gnomAD v4.1: 2 of 1,211,738 alleles (0.00017%); highest among the groups gnomAD compares: Non-Finnish European, 0.00022%; no homozygotes.

Submission:

PreventionGenetics, part of Exact Sciences
Classification: Uncertain significance for MAOA-related condition. Last evaluated: 2026-04-10. Review status: criteria provided, single submitter. Criteria: ACMG Guidelines, 2015. Collection method: clinical testing. Allele origin: germline.
Comment: The MAOA c.45C>A variant is predicted to result in the amino acid substitution p.Asp15Glu. To our knowledge, this variant has not been reported in the literature or in a large population database (gnomAD), indicating this variant is rare. At this time, the clinical significance of this variant is uncertain due to the absence of conclusive functional and genetic evidence.